The following is an entry in ClinVar:

NM_000089.4(COL1A2):c.280-68A>G

Gene: COL1A2 (collagen type I alpha 2 chain; plus strand). Cytogenetic location: 7q21.3.
Variant type: single nucleotide variant.
Coding change: c.280-68A>G on transcript NM_000089.4 (MANE Select); 68 bases into the intron before coding-DNA position 280, A replaced by G.
Molecular consequence: intron variant.
Genome position (GRCh38, 1-based): chr7:94,404,488, A>G. VCF-style: chr7-94404488-A-G. GRCh37 (hg19) VCF-style: chr7-94033800-A-G.
Identifiers: ClinVar variation 674810 (VCV000674810.2), dbSNP rs406226, ClinGen allele CA162913903.
Genomic context (GRCh38, chr7:94,404,488, plus strand): 5'-CTTGGGAGGAATAAAAACTATGGAATCAAACCACAACAATGGCACTGCTAAGTTGGTCAT[A>G]TCTGACCCCAGCCAACACCATGACAACTTATCAGTGCTAACTGTTGATATATCTGCTTTC-3'

ClinVar aggregate classification (germline): Benign. Review status: criteria provided, multiple submitters, no conflicts (2 of 4 stars). 2 submissions from 2 submitters: Benign (2). Last evaluated 2018-06-14.

Allele frequency attached by ClinVar (database versions not stated): 1000 Genomes Project 0.16274; 1000 Genomes Project 30x 0.17052; ESP Exome Variant Server 0.17302; gnomAD 0.17693 and 0.17807; gnomAD exomes 0.19007; TOPMed 0.19303.
gnomAD v4.1: 293,721 of 1,557,980 alleles (19%); highest among the groups gnomAD compares: Admixed American, 34%; 29,285 homozygotes.

Submissions (2):

GeneDx
Classification: Benign. Last evaluated: 2018-06-14. Review status: criteria provided, single submitter. Criteria: GeneDx Variant Classification (06012015). Collection method: clinical testing. Allele origin: germline. Affected: yes.
Comment: This variant is considered likely benign or benign based on one or more of the following criteria: it is a conservative change, it occurs at a poorly conserved position in the protein, it is predicted to be benign by multiple in silico algorithms, and/or has population frequency not consistent with disease.

Breakthrough Genomics
Classification: Benign. Review status: criteria provided, single submitter. Criteria: ACMG Guidelines, 2015. Collection method: not provided. Allele origin: germline. Inheritance: Autosomal recessive inheritance. Affected: yes.